The following is an entry in ClinVar:

NM_001378452.1(ITPR1):c.1813C>G (p.Leu605Val)

Gene: ITPR1 (inositol 1,4,5-trisphosphate receptor type 1; plus strand). Cytogenetic location: 3p26.1.
Variant type: single nucleotide variant.
Coding change: c.1813C>G on transcript NM_001378452.1 (MANE Select); coding-DNA position 1813, C replaced by G.
Protein change: p.Leu605Val; replaces leucine 605 with valine.
Molecular consequence: missense variant.
Genome position (GRCh38, 1-based): chr3:4,667,476, C>G. VCF-style: chr3-4667476-C-G. GRCh37 (hg19) VCF-style: chr3-4709160-C-G.
Other names: c.1813C>G, p.Leu605Val (NM_001099952.4); c.1768C>G, p.Leu590Val (NM_001168272.2, NM_002222.7); c.1768C>G (NM_002222.5); short protein forms L590V, L605V.
Identifiers: ClinVar variation 1802278 (VCV001802278.7), dbSNP rs1064796252, ClinGen allele CA351643071.

ClinVar aggregate classification (germline): Conflicting classifications of pathogenicity. Review status: criteria provided, conflicting classifications (1 of 4 stars). 3 submissions from 3 submitters: Likely pathogenic (1); Uncertain significance (2). Last evaluated 2024-05-23.

Conditions:
Spinocerebellar ataxia type 29 (SCA29). Also called: Spinocerebellar ataxia 29, congenital nonprogressive; CEREBELLAR ATAXIA, CONGENITAL NONPROGRESSIVE, AUTOSOMAL DOMINANT. Identifiers: Orphanet 208513, MedGen C1861732, MONDO:0007298, OMIM 117360.
ITPR1-related syndromic and non-syndromic hereditary ataxias.

Submissions (3):

MVZ Martinsried, Medicover Genetics
Classification: Likely pathogenic for Spinocerebellar ataxia type 29. Last evaluated: 2024-05-23. Review status: criteria provided, single submitter. Criteria: ACGS Guidelines, 2020. Collection method: clinical testing. Allele origin: unknown. Affected: yes.

Diagnostics Services (NGS), CSIR - Centre For Cellular And Molecular Biology
Classification: Uncertain significance for Spinocerebellar ataxia type 29. Last evaluated: 2022-11-29. Review status: criteria provided, single submitter. Criteria: ACMG Guidelines, 2015. Collection method: clinical testing. Allele origin: unknown. Affected: yes. Observed: 1 variant allele, 1 heterozygote.
Comment: The c.1813C>G variant is not present in publicly available population databases like 1000 Genomes, EVS, ExAC, gnomAD, Indian Exome Database or our in-house exome database. The variant was neither published nor reported to clinical databases like ClinVar, Human Genome Mutation Database (HGMD) or OMIM, in any affected individuals. In-silico pathogenicity prediction programs like SIFT, PolyPhen2, MutationTaster2, CADD etc predicted this variant to be likely deleterious, however these predictions were not confirmed by any published functional studies.

Illumina Laboratory Services, Illumina
Classification: Uncertain significance for ITPR1-related syndromic and non-syndromic hereditary ataxias. Last evaluated: 2022-04-13. Review status: criteria provided, single submitter. Criteria: ICSLVariantClassificationCriteria RUGD 01 April 2020. Collection method: clinical testing. Allele origin: unknown.
Comment: The ITPR1 c.1768C>G (p.Leu590Val) missense variant results in the substitution of leucine at amino acid position 590 with valine. To our knowledge, this variant has not been reported in the peer-reviewed literature. This variant is not found in version 2.1.1 or version 3.1.2 of the Genome Aggregation Database. The c.1768C>G variant lies within the IP3-binding domain, which is reported to function in protein binding (Barresi et al. 2016; McEntagart et al. 2016). Another variant at the same position (p.Leu590LPhe) is reported as likely pathogenic in ClinVar. Missense variants are a common mechanism of ITPR1-related syndromic and non-syndromic hereditary ataxias (Barresi et al. 2016). Based on the available evidence, the c.1768C>G (p.Leu590Val) variant is classified as a variant of uncertain significance for ITPR1-related syndromic and non-syndromic hereditary ataxias.

Literature cited by the submitters: PubMed 27062503 (cited by Illumina Laboratory Services, Illumina); PubMed 27108798 (cited by Illumina Laboratory Services, Illumina).